The following is an entry in ClinVar:

NM_144658.4(DOCK11):c.2525C>T (p.Ser842Leu)

Gene: DOCK11 (dedicator of cytokinesis 11; plus strand). Cytogenetic location: Xq24.
Variant type: single nucleotide variant.
Coding change: c.2525C>T on transcript NM_144658.4 (MANE Select); coding-DNA position 2525, C replaced by T.
Protein change: p.Ser842Leu; replaces serine 842 with leucine.
Molecular consequence: missense variant.
Genome position (GRCh38, 1-based): chrX:118,599,191, C>T. VCF-style: chrX-118599191-C-T. GRCh37 (hg19) VCF-style: chrX-117733154-C-T.
Other names: short protein forms S842L.
Identifiers: ClinVar variation 721200 (VCV000721200.6), dbSNP rs139561772, ClinGen allele CA10499154.

ClinVar aggregate classification (germline): Likely benign. Review status: criteria provided, multiple submitters, no conflicts (2 of 4 stars). 3 submissions from 3 submitters: Likely benign (2). 1 of the submissions does not count toward it. Last evaluated 2019-12-31.

Conditions:
DOCK11-related disorder. Also called: DOCK11-related condition.

Allele frequency attached by ClinVar (database versions not stated): 1000 Genomes Project 30x 0.00104; 1000 Genomes Project 0.00132; TOPMed 0.00176; gnomAD 0.00180 and 0.00181; gnomAD exomes 0.00182; ExAC 0.00209; ESP Exome Variant Server 0.00312.
gnomAD v4.1: 3,229 of 1,207,597 alleles (0.27%); highest among the groups gnomAD compares: Non-Finnish European, 0.32%; 7 homozygotes.

Submissions (3):

Labcorp Genetics (formerly Invitae), Labcorp
Classification: Likely benign. Last evaluated: 2019-12-31. Review status: criteria provided, single submitter. Criteria: Invitae Variant Classification Sherloc (09022015). Collection method: clinical testing. Allele origin: germline.

Breakthrough Genomics
Classification: Likely benign. Review status: criteria provided, single submitter. Criteria: ACMG Guidelines, 2015. Collection method: not provided. Allele origin: germline. Inheritance: Unknown mechanism. Affected: yes.

PreventionGenetics, part of Exact Sciences
Classification: Likely benign for DOCK11-related condition. Last evaluated: 2024-09-11. Review status: no assertion criteria provided. Collection method: clinical testing. Allele origin: germline. Not counted in ClinVar's aggregate classification.
Comment: This variant is classified as likely benign based on ACMG/AMP sequence variant interpretation guidelines (Richards et al. 2015 PMID: 25741868, with internal and published modifications).